The following is an entry in ClinVar:

ClinVar aggregate classification (germline): Likely benign. Review status: criteria provided, multiple submitters, no conflicts (2 of 4 stars). 5 submissions from 5 submitters: Likely benign (4). 1 of the submissions does not count toward it. Last evaluated 2026-08-01.

Conditions:
VWF-related disorder. Also called: VWF-related condition; VWF-related disorders.

Allele frequency attached by ClinVar (database versions not stated): 1000 Genomes Project 0.00020; 1000 Genomes Project 30x 0.00062; TOPMed 0.00122; gnomAD 0.00126 and 0.00130; gnomAD exomes 0.00128 and 0.00225; ExAC 0.00159; ESP Exome Variant Server 0.00200.
gnomAD v4.1: 3,417 of 1,614,098 alleles (0.21%); highest among the groups gnomAD compares: Non-Finnish European, 0.28%; 7 homozygotes.

Submissions (5):

CeGaT Center for Human Genetics Tuebingen
Classification: Likely benign. Last evaluated: 2026-08-01. Review status: criteria provided, single submitter. Criteria: CeGaT Center For Human Genetics Tuebingen Variant Classification Criteria Version 2. Collection method: clinical testing. Allele origin: germline. Affected: yes. Observed: 4 variant alleles.
Comment: VWF: BP4, BP7

Blueprint Genetics
Classification: Likely benign. Last evaluated: 2024-11-01. Review status: criteria provided, single submitter. Criteria: ACMG Guidelines, 2015. Collection method: clinical testing. Allele origin: germline.

ARUP Laboratories, Molecular Genetics and Genomics, ARUP Laboratories
Classification: Likely benign. Last evaluated: 2024-05-17. Review status: criteria provided, single submitter. Criteria: ARUP Molecular Germline Variant Investigation Process 2024. Collection method: clinical testing. Allele origin: germline.

Mayo Clinic Laboratories, Mayo Clinic
Classification: Likely benign. Last evaluated: 2021-12-30. Review status: criteria provided, single submitter. Criteria: ACMG Guidelines, 2015. Collection method: clinical testing. Allele origin: germline. Observed: 7 variant alleles.

PreventionGenetics, part of Exact Sciences
Classification: Likely benign for VWF-related condition. Last evaluated: 2019-09-17. Review status: no assertion criteria provided. Collection method: clinical testing. Allele origin: germline. Not counted in ClinVar's aggregate classification.
Comment: This variant is classified as likely benign based on ACMG/AMP sequence variant interpretation guidelines (Richards et al. 2015 PMID: 25741868, with internal and published modifications).

NM_000552.5(VWF):c.8079C>T (p.Cys2693=)

Gene: VWF (von Willebrand factor; minus strand). Cytogenetic location: 12p13.31.
Variant type: single nucleotide variant.
Coding change: c.8079C>T on transcript NM_000552.5 (MANE Select); coding-DNA position 8079, C replaced by T.
Protein change: p.Cys2693=; no amino-acid change (cysteine 2693 retained).
Molecular consequence: synonymous variant.
Genome position (GRCh38, 1-based): chr12:5,952,427, G>A on the plus strand (C>T on the coding strand, the complement: VWF is on the minus strand). VCF-style: chr12-5952427-G-A. GRCh37 (hg19) VCF-style: chr12-6061593-G-A.
Other names: p.Cys2693=; c.8079C>T (NM_000552.4).
Identifiers: ClinVar variation 806785 (VCV000806785.47), dbSNP rs41276732, ClinGen allele CA6401411.